The following is an entry in ClinVar:

NM_002471.4(MYH6):c.420C>T (p.Ala140=)

Genes: MYH6 (myosin heavy chain 6; minus strand), LOC114827851 (VISTA enhancer hs2155; plus strand). Cytogenetic location: 14q11.2.
Variant type: single nucleotide variant.
Coding change: c.420C>T on transcript NM_002471.4 (MANE Select); coding-DNA position 420, C replaced by T.
Protein change: p.Ala140=; no amino-acid change (alanine 140 retained).
Molecular consequence: synonymous variant.
Genome position (GRCh38, 1-based): chr14:23,405,305, G>A on the plus strand (C>T on the coding strand, the complement: MYH6 is on the minus strand). VCF-style: chr14-23405305-G-A. GRCh37 (hg19) VCF-style: chr14-23874514-G-A.
Identifiers: ClinVar variation 239174 (VCV000239174.17), dbSNP rs145023897, ClinGen allele CA7116170.

ClinVar aggregate classification (germline): Benign/Likely benign. Review status: criteria provided, multiple submitters, no conflicts (2 of 4 stars). 7 submissions from 7 submitters: Benign (1); Likely benign (6). Last evaluated 2026-01-05.

Conditions:
MYH6-related disorder. Also called: MYH6-related condition; MYH6-Related Disorders.
Cardiovascular phenotype. Identifiers: MedGen CN230736.
Atrial septal defect 3 (ASD3). Identifiers: Orphanet 1478, MedGen C3279790, MONDO:0013567, OMIM 614089.
Hypertrophic cardiomyopathy 1 (CMH1). Also called: MYH7-Related Familial Hypertrophic Cardiomyopathy; Familial hypertrophic cardiomyopathy 1. Identifiers: MedGen C3495498, MONDO:0008647, OMIM 192600.
Sick sinus syndrome 3, susceptibility to (SSS3). Identifiers: Orphanet 166282, MedGen C3279791, MONDO:0013568, OMIM 614090.
Dilated cardiomyopathy 1EE (CMD1EE). Identifiers: Orphanet 154, MedGen C2750466, MONDO:0013198, OMIM 613252.
Hypertrophic cardiomyopathy 14. Identifiers: MedGen C2750467, MONDO:0013197, OMIM 613251.
Cardiomyopathy (CMYO). Also called: Cardiomyopathies. Identifiers: Orphanet 167848, MedGen C0878544, MONDO:0004994, HP:0001638. Inheritance: Various modes of inheritance.

Allele frequency attached by ClinVar (database versions not stated): ExAC 0.00006; gnomAD 0.00010; TOPMed 0.00011; ESP Exome Variant Server 0.00031.
gnomAD v4.1: 51 of 1,614,032 alleles (0.0032%); highest among the groups gnomAD compares: African/African-American, 0.028%; no homozygotes.

Submissions (7):

Labcorp Genetics (formerly Invitae), Labcorp
Classification: Likely benign for Hypertrophic cardiomyopathy 14. Last evaluated: 2026-01-05. Review status: criteria provided, single submitter. Criteria: Invitae Variant Classification Sherloc (09022015). Collection method: clinical testing. Allele origin: germline.

PreventionGenetics, part of Exact Sciences
Classification: Likely benign for MYH6-related condition. Last evaluated: 2025-06-17. Review status: criteria provided, single submitter. Criteria: ACMG Guidelines, 2015. Collection method: clinical testing. Allele origin: germline.
Comment: This variant is classified as likely benign based on ACMG/AMP sequence variant interpretation guidelines (Richards et al. 2015 PMID: 25741868, with internal and published modifications).

Women's Health and Genetics/Laboratory Corporation of America, LabCorp
Classification: Benign. Last evaluated: 2022-12-06. Review status: criteria provided, single submitter. Criteria: LabCorp Variant Classification Summary - May 2015. Collection method: clinical testing. Allele origin: germline.

Fulgent Genetics
Classification: Likely benign for Hypertrophic cardiomyopathy 1; Hypertrophic cardiomyopathy 14; Dilated cardiomyopathy 1EE; Atrial septal defect 3; Sick sinus syndrome 3, susceptibility to. Last evaluated: 2021-08-23. Review status: criteria provided, single submitter. Criteria: ACMG Guidelines, 2015. Collection method: clinical testing. Allele origin: unknown.

GeneDx
Classification: Likely benign. Last evaluated: 2020-11-19. Review status: criteria provided, single submitter. Criteria: GeneDx Variant Classification Process June 2021. Collection method: clinical testing. Allele origin: germline. Affected: yes.

Ambry Genetics
Classification: Likely benign for Cardiovascular phenotype. Last evaluated: 2019-09-11. Review status: criteria provided, single submitter. Criteria: Ambry Variant Classification Scheme 2023. Collection method: clinical testing. Allele origin: germline.

CHEO Genetics Diagnostic Laboratory, Children's Hospital of Eastern Ontario
Classification: Likely benign for Cardiomyopathy. Last evaluated: 2018-02-28. Review status: criteria provided, single submitter. Criteria: ACMG Guidelines, 2015. Collection method: clinical testing. Allele origin: germline.